The following is an entry in ClinVar:

NM_001114122.3(CHEK1):c.-195C>T

Genes: CHEK1 (checkpoint kinase 1; plus strand), LOC118567325 (uncharacterized LOC118567325; minus strand), LOC130007016 (ATAC-STARR-seq lymphoblastoid active region 5700; plus strand). Cytogenetic location: 11q24.2.
Variant type: single nucleotide variant.
Coding change: c.-195C>T on transcript NM_001114122.3 (MANE Select); 195 bases upstream of the start codon, C replaced by T.
Molecular consequence: 5 prime UTR variant. On other transcripts: non-coding transcript variant (2).
Genome position (GRCh38, 1-based): chr11:125,625,838, C>T. VCF-style: chr11-125625838-C-T. GRCh37 (hg19) VCF-style: chr11-125495733-C-T.
Other names: c.-195C>T (NM_001114121.2, NM_001244846.1); c.-274C>T (NM_001330427.2).
Identifiers: ClinVar variation 3041131 (VCV003041131.2), dbSNP rs1057440910, ClinGen allele CA230483567.

ClinVar aggregate classification (germline): Likely benign (0 of 4 stars; one submission).

Conditions:
CHEK1-related disorder. Also called: CHEK1-related condition.

Allele frequency attached by ClinVar (database versions not stated): gnomAD exomes 0.00007; TOPMed 0.00038; gnomAD 0.00039.
gnomAD v4.1: 95 of 702,520 alleles (0.014%); highest among the groups gnomAD compares: African/African-American, 0.14%; no homozygotes.

Submission:

PreventionGenetics, part of Exact Sciences
Classification: Likely benign for CHEK1-related condition. Last evaluated: 2022-05-04. Review status: no assertion criteria provided. Collection method: clinical testing. Allele origin: germline.
Comment: This variant is classified as likely benign based on ACMG/AMP sequence variant interpretation guidelines (Richards et al. 2015 PMID: 25741868, with internal and published modifications).